The following is an entry in ClinVar:

NM_000038.6(APC):c.4746C>T (p.Ala1582=)

Gene: APC (APC regulator of Wnt signaling pathway; plus strand). Cytogenetic location: 5q22.2.
Variant type: single nucleotide variant.
Coding change: c.4746C>T on transcript NM_000038.6 (MANE Select); coding-DNA position 4746, C replaced by T.
Protein change: p.Ala1582=; no amino-acid change (alanine 1582 retained).
Molecular consequence: synonymous variant. On other transcripts: non-coding transcript variant (2).
Genome position (GRCh38, 1-based): chr5:112,840,340, C>T. VCF-style: chr5-112840340-C-T. GRCh37 (hg19) VCF-style: chr5-112176037-C-T.
Other names: c.4746C>T, p.Ala1582= (NM_001127510.3, NM_001354895.2, NM_001407450.1); c.4692C>T, p.Ala1564= (NM_001127511.3); c.4800C>T, p.Ala1600= (NM_001354896.2, NM_001407447.1, NM_001407448.1 and 1 more transcripts); c.4776C>T, p.Ala1592= (NM_001354897.2); c.4671C>T, p.Ala1557= (NM_001354898.2); c.4662C>T, p.Ala1554= (NM_001354899.2); c.4623C>T, p.Ala1541= (NM_001354900.2); c.4569C>T, p.Ala1523= (NM_001354901.2, NM_001407453.1); and 11 more.
Identifiers: ClinVar variation 3020196 (VCV003020196.4), dbSNP rs2149922717, ClinGen allele CA446206710.
Genomic context (GRCh38, chr5:112,840,340, plus strand): 5'-CCTATTAGATGATTCAGATGATGATGATATTGAAATACTAGAAGAATGTATTATTTCTGC[C>T]ATGCCAACAAAGTCATCACGTAAAGCAAAAAAGCCAGCCCAGACTGCTTCAAAATTACCT-3'
Protein context (NP_000029.2, residues 1572-1592): IEILEECIIS[Ala1582=]MPTKSSRKAK

ClinVar aggregate classification (germline): Benign/Likely benign. Review status: criteria provided, multiple submitters, no conflicts (2 of 4 stars). 2 submissions from 2 submitters: Benign (1); Likely benign (1). Last evaluated 2024-04-10.

Conditions:
Familial adenomatous polyposis 1 (FAP1). Also called: FAMILIAL ADENOMATOUS POLYPOSIS 1, ATTENUATED; POLYPOSIS, ADENOMATOUS INTESTINAL. Identifiers: MedGen C2713442, MONDO:0021056, OMIM 175100. Disease mechanism: loss of function.

Submissions (2):

Labcorp Genetics (formerly Invitae), Labcorp
Classification: Likely benign for Familial adenomatous polyposis 1. Last evaluated: 2024-04-10. Review status: criteria provided, single submitter. Criteria: Invitae Variant Classification Sherloc (09022015). Collection method: clinical testing. Allele origin: germline.

Myriad Genetics, Inc.
Classification: Benign for Familial adenomatous polyposis 1. Last evaluated: 2024-03-27. Review status: criteria provided, single submitter. Criteria: Myriad Autosomal Dominant, Autosomal Recessive and X-Linked Classification Criteria (2023). Collection method: clinical testing. Allele origin: unknown.
Comment: This variant is considered benign. This variant is a silent/synonymous amino acid change and it is not expected to impact splicing.